The following is an entry in ClinVar:

NM_015274.3(MAN2B2):c.1216C>A (p.Gln406Lys)

Gene: MAN2B2 (mannosidase alpha class 2B member 2; plus strand). Cytogenetic location: 4p16.1.
Variant type: single nucleotide variant.
Coding change: c.1216C>A on transcript NM_015274.3 (MANE Select); coding-DNA position 1216, C replaced by A.
Protein change: p.Gln406Lys; replaces glutamine 406 with lysine.
Molecular consequence: missense variant.
Genome position (GRCh38, 1-based): chr4:6,597,271, C>A. VCF-style: chr4-6597271-C-A. GRCh37 (hg19) VCF-style: chr4-6598998-C-A.
Other names: c.1063C>A, p.Gln355Lys (NM_001292038.2); short protein forms Q355K, Q406K.
Identifiers: ClinVar variation 3251090 (VCV003251090.18), dbSNP rs2548913611.
Genomic context (GRCh38, chr4:6,597,271, plus strand): 5'-TTCACACGCTACCTGTGGCCGGCCCCCCGTGGGCATCTGGACCCCACCTGGGCCCTGCAG[C>A]AGCTCCAGCAGCTTCGCTGGGCCGTCTCCGAGGTAACACCACATTTAGCCACAGTGGCAG-3'
Protein context (NP_056089.1, residues 396-416): GHLDPTWALQ[Gln406Lys]LQQLRWAVSE

ClinVar aggregate classification (germline): Uncertain significance (1 of 4 stars; one submission).

Submission:

CeGaT Center for Human Genetics Tuebingen
Classification: Uncertain significance. Last evaluated: 2024-06-01. Review status: criteria provided, single submitter. Criteria: CeGaT Center For Human Genetics Tuebingen Variant Classification Criteria Version 2. Collection method: clinical testing. Allele origin: germline. Affected: yes. Observed: 1 variant allele.
Comment: MAN2B2: PM2